The following is an entry in ClinVar:

NM_130384.3(ATRIP):c.86C>T (p.Pro29Leu)

Genes: ATRIP (ATR interacting protein; plus strand), ATRIP-TREX1 (ATRIP-TREX1 readthrough; plus strand), LOC129936703 (ATAC-STARR-seq lymphoblastoid silent region 14331; plus strand). Cytogenetic location: 3p21.31.
Variant type: single nucleotide variant.
Coding change: c.86C>T on transcript NM_130384.3 (MANE Select); coding-DNA position 86, C replaced by T.
Protein change: p.Pro29Leu; replaces proline 29 with leucine.
Molecular consequence: missense variant. On other transcripts: non-coding transcript variant (1), intron variant (1).
Genome position (GRCh38, 1-based): chr3:48,446,931, C>T. VCF-style: chr3-48446931-C-T. GRCh37 (hg19) VCF-style: chr3-48488335-C-T.
Other names: c.86C>T, p.Pro29Leu (NM_032166.4); c.-218+132C>T (NM_001271022.2); short protein forms P29L.
Identifiers: ClinVar variation 4181856 (VCV004181856.1).

ClinVar aggregate classification (germline): Uncertain significance (1 of 4 stars; one submission).

gnomAD v4.1: 1 of 1,457,302 alleles (0.000069%); highest among the groups gnomAD compares: Non-Finnish European, 0.000091%; no homozygotes.

Submission:

Ambry Genetics
Classification: Uncertain significance. Last evaluated: 2025-06-23. Review status: criteria provided, single submitter. Criteria: Ambry Variant Classification Scheme 2023. Collection method: clinical testing. Allele origin: germline.
Comment: The p.P29L variant (also known as c.86C>T), located in coding exon 1 of the ATRIP gene, results from a C to T substitution at nucleotide position 86. The proline at codon 29 is replaced by leucine, an amino acid with similar properties. This amino acid position is conserved. In addition, the in silico prediction for this alteration is inconclusive. Based on the available evidence, the clinical significance of this variant remains unclear.